The following is an entry in ClinVar:

NM_000545.8(HNF1A):c.886G>T (p.Gly296Ter)

Gene: HNF1A (HNF1 homeobox A; plus strand). Cytogenetic location: 12q24.31.
Variant type: single nucleotide variant.
Coding change: c.886G>T on transcript NM_000545.8 (MANE Select); coding-DNA position 886, G replaced by T.
Protein change: p.Gly296Ter; replaces glycine 296 with a stop codon.
Molecular consequence: nonsense.
Genome position (GRCh38, 1-based): chr12:120,994,336, G>T. VCF-style: chr12-120994336-G-T. GRCh37 (hg19) VCF-style: chr12-121432139-G-T.
Other names: c.886G>T, p.Gly296Ter (NM_001306179.2, NM_001406915.1); short protein forms G296*.
Identifiers: ClinVar variation 4850207 (VCV004850207.1).

ClinVar aggregate classification (germline): Likely pathogenic (1 of 4 stars; one submission).

Conditions:
Autosomal dominant HNF1A-related disorders.

Submission:

Variantyx, Inc.
Classification: Likely pathogenic for Autosomal dominant HNF1A-related disorders. Last evaluated: 2025-09-10. Review status: criteria provided, single submitter. Criteria: Variantyx Assertion Criteria 2022. Collection method: clinical testing. Allele origin: germline. Inheritance: Autosomal dominant inheritance. Affected: yes.
Comment: This is a nonsense variant in the HNF1A gene (OMIM: 142410). Pathogenic variants in this gene have been associated with autosomal dominant HNF1A-related disorders. This variant introduces a premature termination codon in exon 4 out of 10 and is expected to result in loss of function, which is a known disease mechanism for HNF1A in these disorders (PMID: 11668618, 23348805) (PVS1). This variant is absent from control populations (PM2). Based on the current evidence, this variant is classified as likely pathogenic for autosomal dominant HNF1A-related disorders.A

Literature cited by the submitters: PubMed 11668618; PubMed 23348805.